The following is an entry in ClinVar:

NM_005263.5(GFI1):c.556A>C (p.Ser186Arg)

Gene: GFI1 (growth factor independent 1 transcriptional repressor; minus strand). Cytogenetic location: 1p22.1.
Variant type: single nucleotide variant.
Coding change: c.556A>C on transcript NM_005263.5 (MANE Select); coding-DNA position 556, A replaced by C.
Protein change: p.Ser186Arg; replaces serine 186 with arginine.
Molecular consequence: missense variant.
Genome position (GRCh38, 1-based): chr1:92,480,831, T>G on the plus strand (A>C on the coding strand, the complement: GFI1 is on the minus strand). VCF-style: chr1-92480831-T-G. GRCh37 (hg19) VCF-style: chr1-92946388-T-G.
Other names: c.556A>C, p.Ser186Arg (NM_001127215.3, NM_001127216.3); short protein forms S186R.
Identifiers: ClinVar variation 3853648 (VCV003853648.1).

ClinVar aggregate classification (germline): Uncertain significance (1 of 4 stars; one submission).

gnomAD v4.1: 7 of 1,534,354 alleles (0.00046%); highest among the groups gnomAD compares: Non-Finnish European, 0.00061%; no homozygotes.

Submission:

Ambry Genetics
Classification: Uncertain significance. Last evaluated: 2024-12-13. Review status: criteria provided, single submitter. Criteria: Ambry Variant Classification Scheme 2023. Collection method: clinical testing. Allele origin: germline.
Comment: The p.S186R variant (also known as c.556A>C), located in coding exon 3 of the GFI1 gene, results from an A to C substitution at nucleotide position 556. The serine at codon 186 is replaced by arginine, an amino acid with dissimilar properties. This amino acid position is conserved. In addition, this alteration is predicted to be tolerated by in silico analysis. Based on the available evidence, the clinical significance of this variant remains unclear.